The following is an entry in ClinVar:

ClinVar aggregate classification (germline): Likely benign. Review status: criteria provided, multiple submitters, no conflicts (2 of 4 stars). 2 submissions from 2 submitters: Likely benign (2). Last evaluated 2025-05-13.

Conditions:
KMT2D-related disorder. Also called: KMT2D-Related Disorders.
Kabuki syndrome. Also called: NIIKAWA-KUROKI SYNDROME; Kabuki make-up syndrome. Identifiers: Orphanet 2322, MedGen C0796004, MONDO:0016512.

Allele frequency attached by ClinVar (database versions not stated): gnomAD 0.00002; TOPMed 0.00002.
gnomAD v4.1: 7 of 1,613,410 alleles (0.00043%); highest among the groups gnomAD compares: African/African-American, 0.0027%; no homozygotes.

Submissions (2):

PreventionGenetics, part of Exact Sciences
Classification: Likely benign for KMT2D-related condition. Last evaluated: 2025-05-13. Review status: criteria provided, single submitter. Criteria: ACMG Guidelines, 2015. Collection method: clinical testing. Allele origin: germline.
Comment: This variant is classified as likely benign based on ACMG/AMP sequence variant interpretation guidelines (Richards et al. 2015 PMID: 25741868, with internal and published modifications).

Labcorp Genetics (formerly Invitae), Labcorp
Classification: Likely benign for Kabuki syndrome. Last evaluated: 2025-01-07. Review status: criteria provided, single submitter. Criteria: Invitae Variant Classification Sherloc (09022015). Collection method: clinical testing. Allele origin: germline.

NM_003482.4(KMT2D):c.6273C>T (p.Gly2091=)

Gene: KMT2D (lysine methyltransferase 2D; minus strand). Cytogenetic location: 12q13.12.
Variant type: single nucleotide variant.
Coding change: c.6273C>T on transcript NM_003482.4 (MANE Select); coding-DNA position 6273, C replaced by T.
Protein change: p.Gly2091=; no amino-acid change (glycine 2091 retained).
Molecular consequence: synonymous variant.
Genome position (GRCh38, 1-based): chr12:49,041,497, G>A on the plus strand (C>T on the coding strand, the complement: KMT2D is on the minus strand). VCF-style: chr12-49041497-G-A. GRCh37 (hg19) VCF-style: chr12-49435280-G-A.
Other names: c.6273C>T (NM_003482.3).
Identifiers: ClinVar variation 1638285 (VCV001638285.9), dbSNP rs1244813879, ClinGen allele CA479712523.